The following is an entry in ClinVar:

NM_001040716.2(PC):c.2786C>G (p.Ala929Gly)

Gene: PC (pyruvate carboxylase; minus strand). Cytogenetic location: 11q13.2.
Variant type: single nucleotide variant.
Coding change: c.2786C>G on transcript NM_001040716.2 (MANE Select); coding-DNA position 2786, C replaced by G.
Protein change: p.Ala929Gly; replaces alanine 929 with glycine.
Molecular consequence: missense variant.
Genome position (GRCh38, 1-based): chr11:66,850,049, G>C on the plus strand (C>G on the coding strand, the complement: PC is on the minus strand). VCF-style: chr11-66850049-G-C. GRCh37 (hg19) VCF-style: chr11-66617520-G-C.
Other names: c.2786C>G, p.Ala929Gly (NM_000920.4, NM_022172.3); short protein forms A929G.
Identifiers: ClinVar variation 937294 (VCV000937294.9), dbSNP rs565678903, ClinGen allele CA6130974.

ClinVar aggregate classification (germline): Uncertain significance. Review status: criteria provided, multiple submitters, no conflicts (2 of 4 stars). 2 submissions from 2 submitters: Uncertain significance (2). Last evaluated 2025-08-21.

Conditions:
Pyruvate carboxylase deficiency. Also called: PC DEFICIENCY; ATAXIA WITH LACTIC ACIDOSIS II; Pyruvate Carboxylase Deficiency Disease; LEIGH NECROTIZING ENCEPHALOPATHY DUE TO PYRUVATE CARBOXYLASE DEFICIENCY; LEIGH SYNDROME DUE TO PYRUVATE CARBOXYLASE DEFICIENCY. Identifiers: Orphanet 3008, MedGen C0034341, MONDO:0009949, OMIM 266150.

Allele frequency attached by ClinVar (database versions not stated): gnomAD 0.00001 and 0.00003; gnomAD exomes 0.00001; ExAC 0.00002; TOPMed 0.00002; 1000 Genomes Project 30x 0.00047; 1000 Genomes Project 0.00060.
gnomAD v4.1: 13 of 1,613,710 alleles (0.00081%); highest among the groups gnomAD compares: Admixed American, 0.022%; no homozygotes.

Submissions (2):

Labcorp Genetics (formerly Invitae), Labcorp
Classification: Uncertain significance for Pyruvate carboxylase deficiency. Last evaluated: 2025-08-21. Review status: criteria provided, single submitter. Criteria: Invitae Variant Classification Sherloc (09022015). Collection method: clinical testing. Allele origin: germline.
Comment: This sequence change replaces alanine, which is neutral and non-polar, with glycine, which is neutral and non-polar, at codon 929 of the PC protein (p.Ala929Gly). This variant is present in population databases (rs565678903, gnomAD 0.006%). This variant has not been reported in the literature in individuals affected with PC-related conditions. ClinVar contains an entry for this variant (Variation ID: 937294). Invitae Evidence Modeling of protein sequence and biophysical properties (such as structural, functional, and spatial information, amino acid conservation, physicochemical variation, residue mobility, and thermodynamic stability) indicates that this missense variant is not expected to disrupt PC protein function with a negative predictive value of 95%. In summary, the available evidence is currently insufficient to determine the role of this variant in disease. Therefore, it has been classified as a Variant of Uncertain Significance.

Breakthrough Genomics
Classification: Uncertain significance. Review status: criteria provided, single submitter. Criteria: ACMG Guidelines, 2015. Collection method: not provided. Allele origin: germline. Inheritance: Autosomal recessive inheritance. Affected: yes.